The following is an entry in ClinVar:

ClinVar aggregate classification (germline): Likely benign. Review status: criteria provided, multiple submitters, no conflicts (2 of 4 stars). 2 submissions from 2 submitters: Likely benign (2). Last evaluated 2024-10-01.

Conditions:
Hereditary hemorrhagic telangiectasia (HHT). Also called: ORW DISEASE; Osler Weber Rendu syndrome; OSLER-RENDU-WEBER DISEASE; Osler hemorrhagic telangiectasia syndrome. Identifiers: Orphanet 774, MedGen C0039445, MONDO:0019180. Disease mechanism: loss of function.

Submissions (2):

CeGaT Center for Human Genetics Tuebingen
Classification: Likely benign. Last evaluated: 2024-10-01. Review status: criteria provided, single submitter. Criteria: CeGaT Center For Human Genetics Tuebingen Variant Classification Criteria Version 2. Collection method: clinical testing. Allele origin: germline. Affected: yes. Observed: 1 variant allele.
Comment: ENG: PM2:Supporting, BP4, BP7

Labcorp Genetics (formerly Invitae), Labcorp
Classification: Likely benign for Hereditary hemorrhagic telangiectasia. Last evaluated: 2024-09-30. Review status: criteria provided, single submitter. Criteria: Invitae Variant Classification Sherloc (09022015). Collection method: clinical testing. Allele origin: germline.

NM_001114753.3(ENG):c.1852+23G>A

Gene: ENG (endoglin; minus strand). Cytogenetic location: 9q34.11.
Variant type: single nucleotide variant.
Coding change: c.1852+23G>A on transcript NM_001114753.3 (MANE Select); 23 bases into the intron after coding-DNA position 1852, G replaced by A.
Molecular consequence: intron variant. On other transcripts: synonymous variant (1).
Genome position (GRCh38, 1-based): chr9:127,815,920, C>T on the plus strand (G>A on the coding strand, the complement: ENG is on the minus strand). VCF-style: chr9-127815920-C-T. GRCh37 (hg19) VCF-style: chr9-130578199-C-T.
Other names: c.1875G>A, p.Gln625= (NM_000118.4); c.1306+23G>A (NM_001278138.2).
Identifiers: ClinVar variation 2790195 (VCV002790195.17), dbSNP rs2539053205, ClinGen allele CA2691805847.